The following is an entry in ClinVar:

GRCh37/hg19 7q22.3(chr7:104678742-104730547)

Gene: KMT2E (lysine methyltransferase 2E (inactive); plus strand). Cytogenetic location: 7q22.3.
Variant type: copy number loss.
Identifiers: ClinVar variation 805918 (VCV000805918.1).

ClinVar aggregate classification (germline): Likely pathogenic (0 of 4 stars; one submission).

Submission:

Broad Center for Mendelian Genomics, Broad Institute of MIT and Harvard
Classification: Likely pathogenic. Last evaluated: 2019-02-07. Review status: no assertion criteria provided. Collection method: research. Allele origin: de novo. Inheritance: Autosomal dominant inheritance. Affected: yes.
Comment: This deletion covers of all of exon 3 through part of exon 14 of KMT2E. It is of note exon 1 and 2 are non-coding in this gene. This deletion overlaps with the KMT2E variant which is reported to have, at least 29 de novo variants, of which 15 have confirmed maternity and paternity. It is of note that loss of function of the KMT2E gene in autosomal dominant disease has not yet been established based on the criteria laid out in Tayoun, 2018 (PMID: 30192042). In summary, although additional studies are required to fully establish its clinical significance, this variant is likely pathogenic.